The following is an entry in ClinVar:

NM_000038.6(APC):c.1549-15G>A

Gene: APC (APC regulator of Wnt signaling pathway; plus strand). Cytogenetic location: 5q22.2.
Variant type: single nucleotide variant.
Coding change: c.1549-15G>A on transcript NM_000038.6 (MANE Select); 15 bases into the intron before coding-DNA position 1549, G replaced by A.
Molecular consequence: intron variant.
Genome position (GRCh38, 1-based): chr5:112,827,914, G>A. VCF-style: chr5-112827914-G-A. GRCh37 (hg19) VCF-style: chr5-112163611-G-A.
Other names: c.1549-15G>A (NM_001354895.2, NM_001127510.3); c.1579-15G>A (NM_001354897.2); c.1276-15G>A (NM_001354902.2); c.1495-15G>A (NM_001127511.3); c.1474-15G>A (NM_001354898.2); c.1171-15G>A (NM_001354904.2); c.700-15G>A (NM_001354906.2); c.1603-15G>A (NM_001354896.2); and 5 more.
Identifiers: ClinVar variation 1593936 (VCV001593936.9), dbSNP rs2149813029, ClinGen allele CA2573138845.
Genomic context (GRCh38, chr5:112,827,914, plus strand): 5'-CATTTAGTAGCCAAAAATAAAGCTTGGCTTCAAGTTGTCTTTTTAATGATCCTCTATTCT[G>A]TATTTAATTTACAGGCTACGCTATGCTCTATGAAAGGCTGCATGAGAGCACTTGTGGCCC-3'

ClinVar aggregate classification (germline): Likely benign. Review status: criteria provided, multiple submitters, no conflicts (2 of 4 stars). 2 submissions from 2 submitters: Likely benign (2). Last evaluated 2024-04-23.

Conditions:
Familial adenomatous polyposis 1 (FAP1). Also called: POLYPOSIS, ADENOMATOUS INTESTINAL; FAMILIAL ADENOMATOUS POLYPOSIS 1, ATTENUATED. Identifiers: MedGen C2713442, MONDO:0021056, OMIM 175100. Disease mechanism: loss of function.

Submissions (2):

Labcorp Genetics (formerly Invitae), Labcorp
Classification: Likely benign for Familial adenomatous polyposis 1. Last evaluated: 2024-04-23. Review status: criteria provided, single submitter. Criteria: Invitae Variant Classification Sherloc (09022015). Collection method: clinical testing. Allele origin: germline.

Myriad Genetics, Inc.
Classification: Likely benign for Familial adenomatous polyposis 1. Last evaluated: 2024-03-05. Review status: criteria provided, single submitter. Criteria: Myriad Autosomal Dominant, Autosomal Recessive and X-Linked Classification Criteria (2023). Collection method: clinical testing. Allele origin: unknown.
Comment: This variant is considered likely benign. This variant is intronic and is not expected to impact mRNA splicing.